The following is an entry in ClinVar:

NM_005045.4(RELN):c.8339C>T (p.Thr2780Ile)

Genes: RELN (reelin; minus strand), SLC26A5-AS1 (SLC26A5 antisense RNA 1; plus strand). Cytogenetic location: 7q22.1.
Variant type: single nucleotide variant.
Coding change: c.8339C>T on transcript NM_005045.4 (MANE Select); coding-DNA position 8339, C replaced by T.
Protein change: p.Thr2780Ile; replaces threonine 2780 with isoleucine.
Molecular consequence: missense variant.
Genome position (GRCh38, 1-based): chr7:103,503,166, G>A on the plus strand (C>T on the coding strand, the complement: RELN is on the minus strand). VCF-style: chr7-103503166-G-A. GRCh37 (hg19) VCF-style: chr7-103143613-G-A.
Other names: c.8339C>T, p.Thr2780Ile (NM_173054.3); short protein forms T2780I.
Identifiers: ClinVar variation 3750052 (VCV003750052.8).

ClinVar aggregate classification (germline): Conflicting classifications of pathogenicity. Review status: criteria provided, conflicting classifications (1 of 4 stars). 2 submissions from 2 submitters: Uncertain significance (1); Likely benign (1). Last evaluated 2025-10-01.

Conditions:
Norman-Roberts syndrome (LIS2). Also called: Lissencephaly 2 (Norman-Roberts type). Identifiers: Orphanet 89844, MedGen C0796089, MONDO:0009760, OMIM 257320.
Familial temporal lobe epilepsy 7. Identifiers: Orphanet 101046, MedGen C4225327, MONDO:0014639, OMIM 616436.

gnomAD v4.1: 1 of 1,614,092 alleles (0.000062%); highest among the groups gnomAD compares: African/African-American, 0.0013%; no homozygotes.

Submissions (2):

CeGaT Center for Human Genetics Tuebingen
Classification: Uncertain significance. Last evaluated: 2025-10-01. Review status: criteria provided, single submitter. Criteria: CeGaT Center For Human Genetics Tuebingen Variant Classification Criteria Version 2. Collection method: clinical testing. Allele origin: germline. Affected: yes. Observed: 1 variant allele.
Comment: RELN: PM2

Labcorp Genetics (formerly Invitae), Labcorp
Classification: Likely benign for Familial temporal lobe epilepsy 7; Norman-Roberts syndrome. Last evaluated: 2025-03-19. Review status: criteria provided, single submitter. Criteria: Invitae Variant Classification Sherloc (09022015). Collection method: clinical testing. Allele origin: germline.